The following is an entry in ClinVar:

ClinVar aggregate classification (germline): Uncertain significance (1 of 4 stars; one submission).

Conditions:
Temtamy preaxial brachydactyly syndrome (TPBS). Identifiers: Orphanet 363417, MedGen C1854466, MONDO:0011533, OMIM 605282.

Allele frequency attached by ClinVar (database versions not stated): gnomAD exomes 0.00002; TOPMed 0.00007; ExAC 0.00001; gnomAD 0.00005.
gnomAD v4.1: 30 of 1,611,052 alleles (0.0019%); highest among the groups gnomAD compares: African/African-American, 0.0053%; no homozygotes.

Submission:

Labcorp Genetics (formerly Invitae), Labcorp
Classification: Uncertain significance for Temtamy preaxial brachydactyly syndrome. Last evaluated: 2025-03-31. Review status: criteria provided, single submitter. Criteria: Invitae Variant Classification Sherloc (09022015). Collection method: clinical testing. Allele origin: germline.
Comment: This sequence change replaces alanine, which is neutral and non-polar, with valine, which is neutral and non-polar, at codon 471 of the CHSY1 protein (p.Ala471Val). This variant is present in population databases (rs762751105, gnomAD 0.004%). This variant has not been reported in the literature in individuals affected with CHSY1-related conditions. ClinVar contains an entry for this variant (Variation ID: 2724406). Invitae Evidence Modeling of protein sequence and biophysical properties (such as structural, functional, and spatial information, amino acid conservation, physicochemical variation, residue mobility, and thermodynamic stability) indicates that this missense variant is not expected to disrupt CHSY1 protein function with a negative predictive value of 80%. In summary, the available evidence is currently insufficient to determine the role of this variant in disease. Therefore, it has been classified as a Variant of Uncertain Significance.

NM_014918.5(CHSY1):c.1412C>T (p.Ala471Val)

Gene: CHSY1 (chondroitin sulfate synthase 1; minus strand). Cytogenetic location: 15q26.3.
Variant type: single nucleotide variant.
Coding change: c.1412C>T on transcript NM_014918.5 (MANE Select); coding-DNA position 1412, C replaced by T.
Protein change: p.Ala471Val; replaces alanine 471 with valine.
Molecular consequence: missense variant.
Genome position (GRCh38, 1-based): chr15:101,178,385, G>A on the plus strand (C>T on the coding strand, the complement: CHSY1 is on the minus strand). VCF-style: chr15-101178385-G-A. GRCh37 (hg19) VCF-style: chr15-101718590-G-A.
Other names: short protein forms A471V.
Identifiers: ClinVar variation 2724406 (VCV002724406.3), dbSNP rs762751105, ClinGen allele CA7762538.